The following is an entry in ClinVar:

ClinVar aggregate classification (germline): Conflicting classifications of pathogenicity. Review status: criteria provided, conflicting classifications (1 of 4 stars). 5 submissions from 5 submitters: Uncertain significance (3); Likely benign (2). Last evaluated 2026-08-04.

Conditions:
USH2A-related disorder. Also called: USH2A-related condition; USH2A-related disorders. Identifiers: MedGen CN239332.

Allele frequency attached by ClinVar (database versions not stated): gnomAD exomes 0.00004 and 0.00015; ExAC 0.00017; gnomAD 0.00048 and 0.00050; 1000 Genomes Project 0.00060; TOPMed 0.00063; 1000 Genomes Project 30x 0.00078; ESP Exome Variant Server 0.00085.
gnomAD v4.1: 136 of 1,613,790 alleles (0.0084%); highest among the groups gnomAD compares: African/African-American, 0.17%; no homozygotes.

Submissions (5):

Myriad Genetics, Inc.
Classification: Uncertain significance for USH2A-related disorder. Last evaluated: 2026-08-04. Review status: criteria provided, single submitter. Criteria: Myriad Autosomal Dominant, Autosomal Recessive and X-Linked Classification Criteria (2023). Collection method: clinical testing. Allele origin: unknown.
Comment: NM_206933.2(USH2A):c.8600C>T(S2867L) is a missense variant classified as a variant of uncertain significance in the context of USH2A-related disorders. S2867L has been observed in a case with relevant disease (PMID: 28838317). Relevant functional assessments of this variant are not available in the literature. S2867L has been observed in referenced population frequency databases. In summary, there is insufficient evidence to classify NM_206933.2(USH2A):c.8600C>T(S2867L) as pathogenic or benign. Please note: this variant was assessed in the context of healthy population screening.

Labcorp Genetics (formerly Invitae), Labcorp
Classification: Likely benign. Last evaluated: 2025-12-14. Review status: criteria provided, single submitter. Criteria: Invitae Variant Classification Sherloc (09022015). Collection method: clinical testing. Allele origin: germline.

PreventionGenetics, part of Exact Sciences
Classification: Likely benign for USH2A-related condition. Last evaluated: 2025-04-04. Review status: criteria provided, single submitter. Criteria: ACMG Guidelines, 2015. Collection method: clinical testing. Allele origin: germline.
Comment: This variant is classified as likely benign based on ACMG/AMP sequence variant interpretation guidelines (Richards et al. 2015 PMID: 25741868, with internal and published modifications).

Blueprint Genetics
Classification: Uncertain significance. Last evaluated: 2024-08-28. Review status: criteria provided, single submitter. Criteria: ACMG Guidelines, 2015. Collection method: clinical testing. Allele origin: germline.

Laboratory for Molecular Medicine, Mass General Brigham Personalized Medicine
Classification: Uncertain significance. Last evaluated: 2017-11-27. Review status: criteria provided, single submitter. Criteria: LMM Criteria. Collection method: clinical testing. Allele origin: germline. Observed: 2 variant alleles.
Comment: The p.Ser2867Leu variant in USH2A has not been previously reported in individual s with hearing loss, but has been identified in 1 individual with retinitis pigm entosa, who carried more likely candidate variants in another gene (Wang et al. 2017). This variant has been identified in 0.22% (53/24024) of African chromosom es by the Genome Aggregation Database (gnomAD; dbSNP rs145468090). Although this variant has been seen in the general populati on, its frequency is not high enough to rule out a pathogenic role. Computationa l prediction tools and conservation analysis suggest that the p.Ser2867Leu varia nt may impact the protein, though this information is not predictive enough to d etermine pathogenicity. In summary, the clinical significance of the p.Ser2867Le u variant is uncertain. ACMG/AMP Criteria applied: PP3.

Literature cited by the submitters: PubMed 28838317 (cited by Myriad Genetics, Inc. and Laboratory for Molecular Medicine, Mass General Brigham Personalized Medicine).

NM_206933.4(USH2A):c.8600C>T (p.Ser2867Leu)

Gene: USH2A (usherin; minus strand). Cytogenetic location: 1q41.
Variant type: single nucleotide variant.
Coding change: c.8600C>T on transcript NM_206933.4 (MANE Select); coding-DNA position 8600, C replaced by T.
Protein change: p.Ser2867Leu; replaces serine 2867 with leucine.
Molecular consequence: missense variant.
Genome position (GRCh38, 1-based): chr1:215,877,839, G>A on the plus strand (C>T on the coding strand, the complement: USH2A is on the minus strand). VCF-style: chr1-215877839-G-A. GRCh37 (hg19) VCF-style: chr1-216051181-G-A.
Other names: short protein forms S2867L.
Identifiers: ClinVar variation 504702 (VCV000504702.18), dbSNP rs145468090, ClinGen allele CA1394562.